The following is an entry in ClinVar:

NM_001377.3(DYNC2H1):c.766+309T>A

Gene: DYNC2H1 (dynein cytoplasmic 2 heavy chain 1; plus strand). Cytogenetic location: 11q22.3.
Variant type: single nucleotide variant.
Coding change: c.766+309T>A on transcript NM_001377.3 (MANE Select); 309 bases into the intron after coding-DNA position 766, T replaced by A.
Molecular consequence: intron variant.
Genome position (GRCh38, 1-based): chr11:103,117,023, T>A. VCF-style: chr11-103117023-T-A. GRCh37 (hg19) VCF-style: chr11-102987752-T-A.
Other names: c.766+309T>A (NM_001080463.2).
Identifiers: ClinVar variation 667690 (VCV000667690.1), dbSNP rs2510095, ClinGen allele CA227399903.

ClinVar aggregate classification (germline): Benign (1 of 4 stars; one submission).

Allele frequency attached by ClinVar (database versions not stated): 1000 Genomes Project 0.31889; 1000 Genomes Project 30x 0.32589; TOPMed 0.32163; gnomAD 0.31636.
gnomAD v4.1: 47,143 of 149,656 alleles (32%); highest among the groups gnomAD compares: African/African-American, 48%; 8,278 homozygotes.

Submission:

GeneDx
Classification: Benign. Last evaluated: 2018-06-19. Review status: criteria provided, single submitter. Criteria: GeneDx Variant Classification (06012015). Collection method: clinical testing. Allele origin: germline. Affected: yes.
Comment: This variant is considered likely benign or benign based on one or more of the following criteria: it is a conservative change, it occurs at a poorly conserved position in the protein, it is predicted to be benign by multiple in silico algorithms, and/or has population frequency not consistent with disease.